The following is an entry in ClinVar:

NM_206933.4(USH2A):c.3812-2A>G

Genes: USH2A (usherin; minus strand), USH2A-AS1 (USH2A antisense RNA 1; plus strand). Cytogenetic location: 1q41.
Variant type: single nucleotide variant.
Coding change: c.3812-2A>G on transcript NM_206933.4 (MANE Select); the canonical splice acceptor site of the intron before coding-DNA position 3812, A replaced by G.
Molecular consequence: splice acceptor variant.
Genome position (GRCh38, 1-based): chr1:216,198,586, T>C on the plus strand (A>G on the coding strand, the complement: USH2A is on the minus strand). VCF-style: chr1-216198586-T-C. GRCh37 (hg19) VCF-style: chr1-216371928-T-C.
Other names: c.3812-2A>G (NM_007123.6).
Identifiers: ClinVar variation 813113 (VCV000813113.49), dbSNP rs758733024, ClinGen allele CA1395894.

ClinVar aggregate classification (germline): Pathogenic/Likely pathogenic. Review status: criteria provided, multiple submitters, no conflicts (2 of 4 stars). 5 submissions from 5 submitters: Pathogenic (2); Likely pathogenic (3). Last evaluated 2023-08-01.

Conditions:
Retinitis pigmentosa (RP). Identifiers: Orphanet 791, MedGen C0035334, MeSH D012174, MONDO:0019200, OMIM 268000. Inheritance: Autosomal dominant, autosomal recessive and X linked inheritance.
Retinitis pigmentosa 39 (RP39). Identifiers: Orphanet 791, MedGen C3151138, MONDO:0013436, OMIM 613809.

Allele frequency attached by ClinVar (database versions not stated): gnomAD exomes below 0.00001 and 0.00001; ExAC 0.00001.
gnomAD v4.1: 6 of 1,611,514 alleles (0.00037%); highest among the groups gnomAD compares: South Asian, 0.0011%; no homozygotes.

Submissions (5):

Baylor Genetics
Classification: Likely pathogenic for Retinitis pigmentosa 39. Last evaluated: 2023-08-01. Review status: criteria provided, single submitter. Criteria: ACMG Guidelines, 2015. Collection method: clinical testing. Allele origin: unknown.

Genome-Nilou Lab
Classification: Likely pathogenic for Retinitis pigmentosa 39. Last evaluated: 2023-04-11. Review status: criteria provided, single submitter. Criteria: ACMG Guidelines, 2015. Collection method: clinical testing. Allele origin: germline. Affected: no.

Labcorp Genetics (formerly Invitae), Labcorp
Classification: Likely pathogenic. Last evaluated: 2022-08-09. Review status: criteria provided, single submitter. Criteria: Invitae Variant Classification Sherloc (09022015). Collection method: clinical testing. Allele origin: germline.
Comment: In summary, the currently available evidence indicates that the variant is pathogenic, but additional data are needed to prove that conclusively. Therefore, this variant has been classified as Likely Pathogenic. Algorithms developed to predict the effect of sequence changes on RNA splicing suggest that this variant may disrupt the consensus splice site. ClinVar contains an entry for this variant (Variation ID: 813113). Disruption of this splice site has been observed in individual(s) with clinical features of retinitis pigmentosa (Invitae). This sequence change affects an acceptor splice site in intron 17 of the USH2A gene. It is expected to disrupt RNA splicing. Variants that disrupt the donor or acceptor splice site typically lead to a loss of protein function (PMID: 16199547), and loss-of-function variants in USH2A are known to be pathogenic (PMID: 10729113, 10909849, 20507924, 25649381). This variant is present in population databases (rs758733024, gnomAD 0.003%).

Molecular Genetics Laboratory, Institute for Ophthalmic Research
Classification: Pathogenic for Retinitis pigmentosa. Last evaluated: 2020-01-09. Review status: criteria provided, single submitter. Criteria: ACMG Guidelines, 2015. Collection method: research. Allele origin: germline. Affected: yes.

CeGaT Center for Human Genetics Tuebingen
Classification: Pathogenic. Last evaluated: 2019-02-01. Review status: criteria provided, single submitter. Criteria: CeGaT Center For Human Genetics Tuebingen Variant Classification Criteria Version 2. Collection method: clinical testing. Allele origin: germline. Affected: yes. Observed: 1 variant allele.

Literature cited by the submitters: PubMed 16199547 (cited by Labcorp Genetics (formerly Invitae), Labcorp); PubMed 10729113 (cited by Labcorp Genetics (formerly Invitae), Labcorp); PubMed 10909849 (cited by Labcorp Genetics (formerly Invitae), Labcorp); PubMed 20507924 (cited by Labcorp Genetics (formerly Invitae), Labcorp); PubMed 25649381 (cited by Labcorp Genetics (formerly Invitae), Labcorp).